The following is an entry in ClinVar:

NM_006017.3(PROM1):c.232A>C (p.Lys78Gln)

Gene: PROM1 (prominin 1; minus strand). Cytogenetic location: 4p15.32.
Variant type: single nucleotide variant.
Coding change: c.232A>C on transcript NM_006017.3 (MANE Select); coding-DNA position 232, A replaced by C.
Protein change: p.Lys78Gln; replaces lysine 78 with glutamine.
Molecular consequence: missense variant.
Genome position (GRCh38, 1-based): chr4:16,038,990, T>G on the plus strand (A>C on the coding strand, the complement: PROM1 is on the minus strand). VCF-style: chr4-16038990-T-G. GRCh37 (hg19) VCF-style: chr4-16040613-T-G.
Other names: c.232A>C, p.Lys78Gln (NM_001145847.2, NM_001145848.2, NM_001145849.2 and 6 more transcripts); short protein forms K78Q.
Identifiers: ClinVar variation 961792 (VCV000961792.11), dbSNP rs757074285, ClinGen allele CA2867138.
Genomic context (GRCh38, chr4:16,038,990, plus strand): 5'-ACCAATGAAAAATTACCTTGTCATAATCAATTTTGGATTCATATGCCTTCTGTAAGAATT[T>G]TCTCAAAGTATCTGGAAAAAAAGCCACAAAATAGCAATATTATTTTTTCAGTAAAATTAT-3'
Protein context (NP_006008.1, residues 68-88): PRDFPEDTLR[Lys78Gln]FLQKAYESKI

ClinVar aggregate classification (germline): Uncertain significance. Review status: criteria provided, multiple submitters, no conflicts (2 of 4 stars). 3 submissions from 3 submitters: Uncertain significance (3). Last evaluated 2026-07-28.

Conditions:
Inborn genetic diseases. Identifiers: MedGen C0950123, MeSH D030342.

Allele frequency attached by ClinVar (database versions not stated): gnomAD exomes 0.00001 and below 0.00001; gnomAD 0.00003; ExAC 0.00003; TOPMed 0.00005.
gnomAD v4.1: 9 of 1,501,940 alleles (0.0006%); highest among the groups gnomAD compares: African/African-American, 0.013%; no homozygotes.

Submissions (3):

Ambry Genetics
Classification: Uncertain significance for Inborn genetic diseases. Last evaluated: 2026-07-28. Review status: criteria provided, single submitter. Criteria: Ambry Variant Classification Scheme 2023. Collection method: clinical testing. Allele origin: germline.

Labcorp Genetics (formerly Invitae), Labcorp
Classification: Uncertain significance. Last evaluated: 2022-09-06. Review status: criteria provided, single submitter. Criteria: Invitae Variant Classification Sherloc (09022015). Collection method: clinical testing. Allele origin: germline.
Comment: This sequence change replaces lysine, which is basic and polar, with glutamine, which is neutral and polar, at codon 78 of the PROM1 protein (p.Lys78Gln). This variant is present in population databases (rs757074285, gnomAD 0.01%). This variant has not been reported in the literature in individuals affected with PROM1-related conditions. ClinVar contains an entry for this variant (Variation ID: 961792). Algorithms developed to predict the effect of missense changes on protein structure and function are either unavailable or do not agree on the potential impact of this missense change (SIFT: "Tolerated"; PolyPhen-2: "Possibly Damaging"; Align-GVGD: "Class C0"). In summary, the available evidence is currently insufficient to determine the role of this variant in disease. Therefore, it has been classified as a Variant of Uncertain Significance.

Blueprint Genetics
Classification: Uncertain significance. Last evaluated: 2018-11-29. Review status: criteria provided, single submitter. Criteria: ACMG Guidelines, 2015. Collection method: clinical testing. Allele origin: germline.